The following is an entry in ClinVar:

NM_000051.4(ATM):c.331+8A>G

Gene: ATM (ATM serine/threonine kinase; plus strand). Cytogenetic location: 11q22.3.
Variant type: single nucleotide variant.
Coding change: c.331+8A>G on transcript NM_000051.4 (MANE Select); 8 bases into the intron after coding-DNA position 331, A replaced by G.
Molecular consequence: intron variant. On other transcripts: stop lost (2).
Genome position (GRCh38, 1-based): chr11:108,229,331, A>G. VCF-style: chr11-108229331-A-G. GRCh37 (hg19) VCF-style: chr11-108100058-A-G.
Other names: *113W; c.339A>G, p.Ter113Trp (NM_001351835.2, NM_001351836.2); c.331+8A>G (NM_001351834.2).
Identifiers: ClinVar variation 236703 (VCV000236703.9), dbSNP rs878853503, ClinGen allele CA10582786.
Genomic context (GRCh38, chr11:108,229,331, plus strand): 5'-GATGCAGGAAATCAGTAGTTTGGTCAAATACTTCATCAAATGTGCAAACAGAAGTAAGTG[A>G]TGTTATAAATTATAAATAAATGGCTTAACAGATTACTGTCGCGTGAGTTTTTTTTTTTTT-3'

ClinVar aggregate classification (germline): Likely benign. Review status: criteria provided, multiple submitters, no conflicts (2 of 4 stars). 2 submissions from 2 submitters: Likely benign (2). Last evaluated 2024-04-18.

Conditions:
Familial cancer of breast. Also called: hereditary breast carcinoma; BREAST CANCER, FAMILIAL; Hereditary breast cancer. Identifiers: Orphanet 227535, MedGen C0346153, MONDO:0016419, OMIM 114480. Disease mechanism: loss of function.
Ataxia-telangiectasia syndrome (AT). Also called: Ataxia telangiectasia (A-T); LOUIS-BAR SYNDROME; Cerebello-oculocutaneous telangiectasia; Immunodeficiency with ataxia telangiectasia; ATAXIA-TELANGIECTASIA, COMPLEMENTATION GROUP A; ATAXIA-TELANGIECTASIA, FRESNO VARIANT. Identifiers: Orphanet 100, MedGen C0004135, MONDO:0008840, OMIM 208900.

Allele frequency attached by ClinVar (database versions not stated): gnomAD exomes below 0.00001.
gnomAD v4.1: 3 of 1,607,958 alleles (0.00019%); highest among the groups gnomAD compares: East Asian, 0.0022%; no homozygotes.

Submissions (2):

Myriad Genetics, Inc.
Classification: Likely benign for Familial cancer of breast. Last evaluated: 2024-04-18. Review status: criteria provided, single submitter. Criteria: Myriad Autosomal Dominant, Autosomal Recessive and X-Linked Classification Criteria (2023). Collection method: clinical testing. Allele origin: unknown.
Comment: This variant is considered likely benign. This variant is intronic and is not expected to impact mRNA splicing.

Labcorp Genetics (formerly Invitae), Labcorp
Classification: Likely benign for Ataxia-telangiectasia syndrome. Last evaluated: 2023-11-28. Review status: criteria provided, single submitter. Criteria: Invitae Variant Classification Sherloc (09022015). Collection method: clinical testing. Allele origin: germline.